The following is an entry in ClinVar:

NM_015072.5(TTLL5):c.172G>T (p.Val58Leu)

Gene: TTLL5 (tubulin tyrosine ligase like 5; plus strand). Cytogenetic location: 14q24.3.
Variant type: single nucleotide variant.
Coding change: c.172G>T on transcript NM_015072.5 (MANE Select); coding-DNA position 172, G replaced by T.
Protein change: p.Val58Leu; replaces valine 58 with leucine.
Molecular consequence: missense variant.
Genome position (GRCh38, 1-based): chr14:75,669,513, G>T. VCF-style: chr14-75669513-G-T. GRCh37 (hg19) VCF-style: chr14-76135856-G-T.
Other names: c.172G>T (NM_015072.4); short protein forms V58L.
Identifiers: ClinVar variation 1018697 (VCV001018697.12), dbSNP rs763162558, ClinGen allele CA7278821.
Genomic context (GRCh38, chr14:75,669,513, plus strand): 5'-AGAATTCCAGTTTTGGTATTCCATGCCGACGCTATTCTTACAAAGGACAACAATATTAGA[G>T]TAATTGGAGGTGCGTATAACCTCTCCCACAGAGGACGGAGCTGGGCATGGCCCAGACGTC-3'
Protein context (NP_055887.3, residues 48-68): AILTKDNNIR[Val58Leu]IGERYHLSYK

ClinVar aggregate classification (germline): Uncertain significance. Review status: criteria provided, multiple submitters, no conflicts (2 of 4 stars). 3 submissions from 3 submitters: Uncertain significance (3). Last evaluated 2025-04-19.

Conditions:
Inborn genetic diseases. Identifiers: MedGen C0950123, MeSH D030342.

Allele frequency attached by ClinVar (database versions not stated): gnomAD exomes 0.00003 and 0.00008; ExAC 0.00005; TOPMed 0.00008.
gnomAD v4.1: 58 of 1,613,902 alleles (0.0036%); highest among the groups gnomAD compares: East Asian, 0.065%; no homozygotes.

Submissions (3):

Ambry Genetics
Classification: Uncertain significance for Inborn genetic diseases. Last evaluated: 2025-04-19. Review status: criteria provided, single submitter. Criteria: Ambry Variant Classification Scheme 2023. Collection method: clinical testing. Allele origin: germline.

Blueprint Genetics
Classification: Uncertain significance. Last evaluated: 2024-05-06. Review status: criteria provided, single submitter. Criteria: ACMG Guidelines, 2015. Collection method: clinical testing. Allele origin: germline.

Labcorp Genetics (formerly Invitae), Labcorp
Classification: Uncertain significance. Last evaluated: 2022-03-27. Review status: criteria provided, single submitter. Criteria: Invitae Variant Classification Sherloc (09022015). Collection method: clinical testing. Allele origin: germline.
Comment: This variant has not been reported in the literature in individuals affected with TTLL5-related conditions. This variant is present in population databases (rs763162558, gnomAD 0.06%). This sequence change replaces valine, which is neutral and non-polar, with leucine, which is neutral and non-polar, at codon 58 of the TTLL5 protein (p.Val58Leu). ClinVar contains an entry for this variant (Variation ID: 1018697). In summary, the available evidence is currently insufficient to determine the role of this variant in disease. Therefore, it has been classified as a Variant of Uncertain Significance. Algorithms developed to predict the effect of missense changes on protein structure and function (SIFT, PolyPhen-2, Align-GVGD) all suggest that this variant is likely to be tolerated.